The following is an entry in ClinVar:

ClinVar aggregate classification (germline): Conflicting classifications of pathogenicity. Review status: criteria provided, conflicting classifications (1 of 4 stars). 4 submissions from 4 submitters: Uncertain significance (2); Likely benign (1). 1 of the submissions does not count toward it. Last evaluated 2026-01-31.

Conditions:
Inborn genetic diseases. Identifiers: MedGen C0950123, MeSH D030342.
GRIP1-related disorder. Also called: GRIP1-related condition.

Allele frequency attached by ClinVar (database versions not stated): gnomAD 0.00108 and 0.00122; TOPMed 0.00127; ExAC 0.00028; gnomAD exomes 0.00028; 1000 Genomes Project 0.00080; 1000 Genomes Project 30x 0.00094; ESP Exome Variant Server 0.00100.
gnomAD v4.1: 307 of 1,611,766 alleles (0.019%); highest among the groups gnomAD compares: African/African-American, 0.36%; no homozygotes.

Submissions (4):

Labcorp Genetics (formerly Invitae), Labcorp
Classification: Likely benign. Last evaluated: 2026-01-31. Review status: criteria provided, single submitter. Criteria: Invitae Variant Classification Sherloc (09022015). Collection method: clinical testing. Allele origin: germline.

Ambry Genetics
Classification: Uncertain significance for Inborn genetic diseases. Last evaluated: 2025-11-25. Review status: criteria provided, single submitter. Criteria: Ambry Variant Classification Scheme 2023. Collection method: clinical testing. Allele origin: germline.

GeneDx
Classification: Uncertain significance. Last evaluated: 2024-11-04. Review status: criteria provided, single submitter. Criteria: GeneDx Variant Classification Process June 2021. Collection method: clinical testing. Allele origin: germline. Affected: yes.
Comment: In silico analysis indicates that this missense variant does not alter protein structure/function; Has not been previously published as pathogenic or benign to our knowledge

PreventionGenetics, part of Exact Sciences
Classification: Likely benign for GRIP1-related condition. Last evaluated: 2022-04-29. Review status: no assertion criteria provided. Collection method: clinical testing. Allele origin: germline. Not counted in ClinVar's aggregate classification.
Comment: This variant is classified as likely benign based on ACMG/AMP sequence variant interpretation guidelines (Richards et al. 2015 PMID: 25741868, with internal and published modifications).

NM_001366722.1(GRIP1):c.3369A>T (p.Glu1123Asp)

Gene: GRIP1 (glutamate receptor interacting protein 1; minus strand). Cytogenetic location: 12q14.3.
Variant type: single nucleotide variant.
Coding change: c.3369A>T on transcript NM_001366722.1 (MANE Select); coding-DNA position 3369, A replaced by T.
Protein change: p.Glu1123Asp; replaces glutamic acid 1123 with aspartic acid.
Molecular consequence: missense variant.
Genome position (GRCh38, 1-based): chr12:66,349,037, T>A on the plus strand (A>T on the coding strand, the complement: GRIP1 is on the minus strand). VCF-style: chr12-66349037-T-A. GRCh37 (hg19) VCF-style: chr12-66742817-T-A.
Other names: c.3168A>T, p.Glu1056Asp (NM_001178074.2); c.3288A>T, p.Glu1096Asp (NM_001366723.1); c.3291A>T, p.Glu1097Asp (NM_001366724.1); c.3213A>T, p.Glu1071Asp (NM_021150.4); short protein forms E1071D, E1056D, E1096D, E1097D, E1123D.
Identifiers: ClinVar variation 707898 (VCV000707898.13), dbSNP rs199812266, ClinGen allele CA6673872.